The following is an entry in ClinVar:

NM_000352.6(ABCC8):c.823-8C>T

Gene: ABCC8 (ATP binding cassette subfamily C member 8; minus strand). Cytogenetic location: 11p15.1.
Variant type: single nucleotide variant.
Coding change: c.823-8C>T on transcript NM_000352.6 (MANE Select); 8 bases into the intron before coding-DNA position 823, C replaced by T.
Molecular consequence: intron variant.
Genome position (GRCh38, 1-based): chr11:17,460,684, G>A on the plus strand (C>T on the coding strand, the complement: ABCC8 is on the minus strand). VCF-style: chr11-17460684-G-A. GRCh37 (hg19) VCF-style: chr11-17482231-G-A.
Other names: c.820-8C>T (NM_001351297.2, NM_001351296.2); c.823-8C>T (NM_001351295.2, NM_001287174.3).
Identifiers: ClinVar variation 157708 (VCV000157708.15), dbSNP rs201000679, ClinGen allele CA171093.

ClinVar aggregate classification (germline): Conflicting classifications of pathogenicity. Review status: criteria provided, conflicting classifications (1 of 4 stars). 6 submissions from 5 submitters: Uncertain significance (3); Likely benign (2). 1 of the submissions does not count toward it. Last evaluated 2024-02-16.

Conditions:
ABCC8-related disorder.
Transitory neonatal diabetes mellitus. Also called: Transient neonatal diabetes mellitus. Identifiers: MedGen C0342273, MONDO:0020525, HP:0008255.
Maturity-onset diabetes of the young (MODY). Also called: Maturity onset diabetes mellitus in young. Identifiers: Orphanet 552, MedGen C0342276, MONDO:0018911, HP:0004904.
Diabetes mellitus, permanent neonatal 3. Also called: ABCC8-Related Permanent Neonatal Diabetes Mellitus. Identifiers: MedGen C5394303, MONDO:0030088, OMIM 618857.
Hyperinsulinemic hypoglycemia, familial, 1 (HHF1). Also called: Persistent Hyperinsulinemia Hypoglycemia of Infancy; HYPERINSULINISM, FAMILIAL, WITH PANCREATIC NESIDIOBLASTOSIS; HYPOGLYCEMIA, HYPERINSULINEMIC, OF INFANCY; Persistent hyperinsulinemic hypoglycemia of infancy; NESIDIOBLASTOSIS OF PANCREAS. Identifiers: Orphanet 276575, Orphanet 276598, MedGen C2931832, MONDO:0009734, OMIM 256450.

Allele frequency attached by ClinVar (database versions not stated): 1000 Genomes Project 30x 0.00016; 1000 Genomes Project 0.00020; gnomAD exomes 0.00001 and 0.00004; ExAC 0.00003; ESP Exome Variant Server 0.00008; gnomAD 0.00012 and 0.00014; TOPMed 0.00012.
gnomAD v4.1: 37 of 1,606,224 alleles (0.0023%); highest among the groups gnomAD compares: African/African-American, 0.043%; no homozygotes.

Submissions (6):

Labcorp Genetics (formerly Invitae), Labcorp
Classification: Likely benign. Last evaluated: 2024-02-16. Review status: criteria provided, single submitter. Criteria: Invitae Variant Classification Sherloc (09022015). Collection method: clinical testing. Allele origin: germline.

New York Genome Center
Classification: Uncertain significance for Type 2 diabetes mellitus; Hyperinsulinemic hypoglycemia, familial, 1; Diabetes mellitus, permanent neonatal 3. Last evaluated: 2022-01-14. Review status: criteria provided, single submitter. Criteria: NYGC Assertion Criteria 2020. Collection method: clinical testing. Allele origin: germline. Observed: 1 heterozygote.
Comment: The heterozygous c.823-8C>T variant identified in the ABCC8 gene is a non-canonical splicing region variant at the -8 position within intron 5/38. This variant is found with low frequency in gnomAD(v3.1.2)(18 heterozygotes, 0 homozygotes; allele frequency: 1.182e-4) suggesting it is not a common benign variant in the populations represented in that database. In silico splicing algorithms SpliceAI and Transcript inferred Pathogenicity Score (TraP) do not predict this variant has a high probability of altering splicing (SpliceAI delta:0.08 (Acceptor Gain, -8bp); TraP Score 0.038 (25-50% score-percentile)). This variant was reported by a single lab in 2013 as Likely Benign in ClinVar (VarID:157708), although the evidence used for that classification was not available for review. To our current knowledge this variant has not been reported in affected individuals in the literature. Given the lack of compelling evidence for its pathogenicity, the heterozygous c.823-8C>T variant identified in the ABCC8 gene is reported as a Variant of Uncertain Significance.

Genetic Services Laboratory, University of Chicago
Classification: Likely benign. Last evaluated: 2013-10-29. Review status: criteria provided, single submitter. Criteria: ACMG Guidelines, 2007. Collection method: clinical testing. Allele origin: germline. Inheritance: Autosomal unknown.

Clinical Genomics, Uppaluri K&H Personalized Medicine Clinic
Classification: Uncertain significance for Maturity-onset diabetes of the young. Review status: criteria provided, single submitter. Criteria: K & H Uppaluri Personalized Medicine Clinic Variant Classification & Assertion Criteria_Updated V.1. Collection method: research. Allele origin: unknown. Inheritance: Somatic mutation.
Comment: Mutations in ABCC8 gene are associated with both neonatal diabetes mellitus as well as MODY. Patients with this mutation may have a better response to sulfonylureas. However, no sufficient evidence is found to ascertain the role of this particular variant ( rs201000679) in MODY yet.

Clinical Genomics, Uppaluri K&H Personalized Medicine Clinic
Classification: Uncertain significance for Transitory neonatal diabetes mellitus. Review status: criteria provided, single submitter. Criteria: K & H Uppaluri Personalized Medicine Clinic Variant Classification & Assertion Criteria_Updated V.1. Collection method: research. Allele origin: unknown.
Comment: Mutations in ABCC8 gene are associated with both neonatal diabetes mellitus as well as MODY. Patients with this mutation may have a better response to sulfonylureas. However, no sufficient evidence is found to ascertain the role of this particular variant ( rs201000679) in neonatal diabetes yet.

PreventionGenetics, part of Exact Sciences
Classification: Likely benign for ABCC8-related condition. Last evaluated: 2020-12-23. Review status: no assertion criteria provided. Collection method: clinical testing. Allele origin: germline. Not counted in ClinVar's aggregate classification.
Comment: This variant is classified as likely benign based on ACMG/AMP sequence variant interpretation guidelines (Richards et al. 2015 PMID: 25741868, with internal and published modifications).

Literature cited by the submitters: PubMed 16885549 (cited by Clinical Genomics, Uppaluri K&H Personalized Medicine Clinic); PubMed 21989597 (cited by Clinical Genomics, Uppaluri K&H Personalized Medicine Clinic); PubMed 27538677 (cited by Clinical Genomics, Uppaluri K&H Personalized Medicine Clinic); PubMed 18981553 (cited by Clinical Genomics, Uppaluri K&H Personalized Medicine Clinic); PubMed 32027066 (cited by Clinical Genomics, Uppaluri K&H Personalized Medicine Clinic); PubMed 16613899 (cited by Clinical Genomics, Uppaluri K&H Personalized Medicine Clinic); PubMed 18025408 (cited by Clinical Genomics, Uppaluri K&H Personalized Medicine Clinic); PubMed 32792356 (cited by Clinical Genomics, Uppaluri K&H Personalized Medicine Clinic).